The following is an entry in ClinVar:

ClinVar aggregate classification (germline): Uncertain significance. Review status: criteria provided, multiple submitters, no conflicts (2 of 4 stars). 2 submissions from 2 submitters: Uncertain significance (2). Last evaluated 2022-10-14.

Conditions:
Fanconi anemia (FA). Also called: Fanconi's anemia. Identifiers: Orphanet 84, MedGen C0015625, MeSH D005199, MONDO:0019391.
Fanconi anemia complementation group F. Also called: FANCF-Related Fanconi Anemia. Identifiers: Orphanet 84, MedGen C3469526, MONDO:0011325, OMIM 603467.

Allele frequency attached by ClinVar (database versions not stated): TOPMed 0.00001.
gnomAD v4.1: 9 of 1,614,102 alleles (0.00056%); highest among the groups gnomAD compares: Non-Finnish European, 0.00068%; no homozygotes.

Submissions (2):

Labcorp Genetics (formerly Invitae), Labcorp
Classification: Uncertain significance for Fanconi anemia. Last evaluated: 2022-10-14. Review status: criteria provided, single submitter. Criteria: Invitae Variant Classification Sherloc (09022015). Collection method: clinical testing. Allele origin: germline.
Comment: This sequence change replaces alanine, which is neutral and non-polar, with serine, which is neutral and polar, at codon 124 of the FANCF protein (p.Ala124Ser). This variant is present in population databases (no rsID available, gnomAD 0.002%). This variant has not been reported in the literature in individuals affected with FANCF-related conditions. ClinVar contains an entry for this variant (Variation ID: 1436499). Advanced modeling of protein sequence and biophysical properties (such as structural, functional, and spatial information, amino acid conservation, physicochemical variation, residue mobility, and thermodynamic stability) performed at Invitae indicates that this missense variant is not expected to disrupt FANCF protein function. In summary, the available evidence is currently insufficient to determine the role of this variant in disease. Therefore, it has been classified as a Variant of Uncertain Significance.

Fulgent Genetics
Classification: Uncertain significance for Fanconi anemia complementation group F. Last evaluated: 2022-05-13. Review status: criteria provided, single submitter. Criteria: ACMG Guidelines, 2015. Collection method: clinical testing. Allele origin: unknown.

NM_022725.4(FANCF):c.370G>T (p.Ala124Ser)

Gene: FANCF (FA complementation group F; minus strand). Cytogenetic location: 11p14.3.
Variant type: single nucleotide variant.
Coding change: c.370G>T on transcript NM_022725.4 (MANE Select); coding-DNA position 370, G replaced by T.
Protein change: p.Ala124Ser; replaces alanine 124 with serine.
Molecular consequence: missense variant.
Genome position (GRCh38, 1-based): chr11:22,625,441, C>A on the plus strand (G>T on the coding strand, the complement: FANCF is on the minus strand). VCF-style: chr11-22625441-C-A. GRCh37 (hg19) VCF-style: chr11-22646987-C-A.
Other names: short protein forms A124S.
Identifiers: ClinVar variation 1436499 (VCV001436499.6), dbSNP rs201357673, ClinGen allele CA380059187.